The following is an entry in ClinVar:

ClinVar aggregate classification (germline): Pathogenic (1 of 4 stars; one submission).

Conditions:
Mucopolysaccharidosis, MPS-II (MPS2). Also called: Hunter Syndrome; IDURONATE 2-SULFATASE DEFICIENCY; Mucopolysaccharidosis Type II; Mucopolysaccharidosis type 2; Attenuated MPS (subtype; formerly known as mild MPS II); Severe MPS II. Identifiers: Orphanet 580, Orphanet 79388, MedGen C0026705, MONDO:0010674, OMIM 309900.

Submissions (3):

Laboratory of Diagnosis and Therapy of Lysosomal Disorders, University of Padova
Classification: Pathogenic for Mucopolysaccharidosis, MPS-II. Last evaluated: 2024-06-07. Review status: criteria provided, single submitter. Criteria: ACMG Guidelines, 2015. Collection method: literature only. Allele origin: germline. Affected: yes. Observed: 2 variant alleles.
Comment: Null variant (PVS1_VeryStrong), Absent from controls (or at low frequency) in gnomAD database (PM2_Moderate), Patient’s phenotype or family history highly specific for the disease (PP4_Strong)

Classification method: ACMG Guidelines [PMID:25741868] with modifications

Dr. Peter K. Rogan Lab, Western University
No classification provided (evidence only). Condition: Thyroid cancer, nonmedullary, 1. Review status: no classification provided. Collection method: in vitro. Allele origin: not applicable. Functional consequence: retained intron. Not counted in ClinVar's aggregate classification.

Dr. Peter K. Rogan Lab, Western University
No classification provided (evidence only). Condition: Nonpapillary renal cell carcinoma. Review status: no classification provided. Collection method: in vitro. Allele origin: not applicable. Functional consequence: retained intron. Not counted in ClinVar's aggregate classification.

Literature cited by the submitters: PubMed 9875019 (cited by Laboratory of Diagnosis and Therapy of Lysosomal Disorders, University of Padova); PubMed 36945845 (cited by Laboratory of Diagnosis and Therapy of Lysosomal Disorders, University of Padova).

NM_000202.8(IDS):c.1006+2T>C

Genes: IDS (iduronate 2-sulfatase; minus strand), LOC106050102 (IDS recombination region; plus strand). Cytogenetic location: Xq28.
Variant type: single nucleotide variant.
Coding change: c.1006+2T>C on transcript NM_000202.8 (MANE Select); the canonical splice donor site of the intron after coding-DNA position 1006, T replaced by C.
Molecular consequence: splice donor variant.
Genome position (GRCh38, 1-based): chrX:149,490,312, A>G on the plus strand (T>C on the coding strand, the complement: IDS is on the minus strand). VCF-style: chrX-149490312-A-G. GRCh37 (hg19) VCF-style: chrX-148571843-A-G.
Other names: NC_000023.10:g.148571843A>G; c.736+2T>C (NM_001166550.4); c.1006+2T>C (NM_006123.5).
Identifiers: ClinVar variation 3255907 (VCV003255907.3).
Genomic context (GRCh38, chrX:149,490,312, plus strand): 5'-AAAGCATGTTTCACAGGAAAGTTCAGATGTTTTGACTCACCAGGGAATTTCAAAATGCTT[A>G]CCATGATCCGAGGTAAATGCAATGATGGTGCTGTTGGCCAGCTGAAGATCGTCCAAAGCA-3'